The following is an entry in ClinVar:

ClinVar aggregate classification (germline): Uncertain significance (1 of 4 stars; one submission).

Allele frequency attached by ClinVar (database versions not stated): gnomAD exomes 0.00001; ExAC 0.00002; TOPMed 0.00002; gnomAD 0.00003; 1000 Genomes Project 30x 0.00031; 1000 Genomes Project 0.00040.
gnomAD v4.1: 13 of 1,595,324 alleles (0.00081%); highest among the groups gnomAD compares: East Asian, 0.011%; no homozygotes.

Submission:

Labcorp Genetics (formerly Invitae), Labcorp
Classification: Uncertain significance. Last evaluated: 2023-11-27. Review status: criteria provided, single submitter. Criteria: Invitae Variant Classification Sherloc (09022015). Collection method: clinical testing. Allele origin: germline.
Comment: This sequence change replaces tyrosine, which is neutral and polar, with cysteine, which is neutral and slightly polar, at codon 638 of the HMCN1 protein (p.Tyr638Cys). This variant is present in population databases (rs184523019, gnomAD 0.02%). This variant has not been reported in the literature in individuals affected with HMCN1-related conditions. An algorithm developed to predict the effect of missense changes on protein structure and function (PolyPhen-2) suggests that this variant is likely to be disruptive. In summary, the available evidence is currently insufficient to determine the role of this variant in disease. Therefore, it has been classified as a Variant of Uncertain Significance.

NM_031935.3(HMCN1):c.1913A>G (p.Tyr638Cys)

Gene: HMCN1 (hemicentin 1; plus strand). Cytogenetic location: 1q31.1.
Variant type: single nucleotide variant.
Coding change: c.1913A>G on transcript NM_031935.3 (MANE Select); coding-DNA position 1913, A replaced by G.
Protein change: p.Tyr638Cys; replaces tyrosine 638 with cysteine.
Molecular consequence: missense variant.
Genome position (GRCh38, 1-based): chr1:185,962,602, A>G. VCF-style: chr1-185962602-A-G. GRCh37 (hg19) VCF-style: chr1-185931734-A-G.
Other names: short protein forms Y638C.
Identifiers: ClinVar variation 2960972 (VCV002960972.3), dbSNP rs184523019, ClinGen allele CA1291235.